The following is an entry in ClinVar:

NM_014000.3(VCL):c.2022+2T>G

Gene: VCL (vinculin; plus strand). Cytogenetic location: 10q22.2.
Variant type: single nucleotide variant.
Coding change: c.2022+2T>G on transcript NM_014000.3 (MANE Select); the canonical splice donor site of the intron after coding-DNA position 2022, T replaced by G.
Molecular consequence: splice donor variant.
Genome position (GRCh38, 1-based): chr10:74,101,099, T>G. VCF-style: chr10-74101099-T-G. GRCh37 (hg19) VCF-style: chr10-75860857-T-G.
Other names: c.2022+2T>G (NM_003373.4).
Identifiers: ClinVar variation 2819568 (VCV002819568.3), dbSNP rs2549229802, ClinGen allele CA377260984.

ClinVar aggregate classification (germline): Uncertain significance (1 of 4 stars; one submission).

Conditions:
Dilated cardiomyopathy 1W (CMD1W). Identifiers: Orphanet 154, MedGen C1969639, MONDO:0012667, OMIM 611407.

Submission:

Labcorp Genetics (formerly Invitae), Labcorp
Classification: Uncertain significance for Dilated cardiomyopathy 1W. Last evaluated: 2022-12-08. Review status: criteria provided, single submitter. Criteria: Invitae Variant Classification Sherloc (09022015). Collection method: clinical testing. Allele origin: germline.
Comment: This variant has not been reported in the literature in individuals affected with VCL-related conditions. This variant is not present in population databases (gnomAD no frequency). This sequence change affects a donor splice site in intron 14 of the VCL gene. It is expected to disrupt RNA splicing. Variants that disrupt the donor or acceptor splice site typically lead to a loss of protein function (PMID: 16199547), however the current clinical and genetic evidence is not sufficient to establish whether loss-of-function variants in VCL cause disease. In summary, the available evidence is currently insufficient to determine the role of this variant in disease. Therefore, it has been classified as a Variant of Uncertain Significance. Algorithms developed to predict the effect of sequence changes on RNA splicing suggest that this variant may disrupt the consensus splice site.

Literature cited by the submitters: PubMed 16199547.